The following is an entry in ClinVar:

ClinVar aggregate classification (germline): Uncertain significance (1 of 4 stars; one submission).

Conditions:
Joubert syndrome. Also called: JOUBERT-BOLTSHAUSER SYNDROME; Familial aplasia of the vermis. Identifiers: Orphanet 475, MedGen C5979921, MONDO:0018772.
Meckel-Gruber syndrome. Also called: DYSENCEPHALIA SPLANCHNOCYSTICA; GRUBER SYNDROME; Dysencephalia splachnocystica. Identifiers: Orphanet 564, MedGen C0265215, MONDO:0018921.

Submission:

Labcorp Genetics (formerly Invitae), Labcorp
Classification: Uncertain significance for Joubert syndrome; Meckel-Gruber syndrome. Last evaluated: 2022-07-06. Review status: criteria provided, single submitter. Criteria: Invitae Variant Classification Sherloc (09022015). Collection method: clinical testing. Allele origin: germline.
Comment: This sequence change falls in intron 8 of the CC2D2A gene. It does not directly change the encoded amino acid sequence of the CC2D2A protein. It affects a nucleotide within the consensus splice site. This variant is not present in population databases (gnomAD no frequency). This variant has not been reported in the literature in individuals affected with CC2D2A-related conditions. Variants that disrupt the consensus splice site are a relatively common cause of aberrant splicing (PMID: 17576681, 9536098). Algorithms developed to predict the effect of sequence changes on RNA splicing suggest that this variant may disrupt the consensus splice site. In summary, the available evidence is currently insufficient to determine the role of this variant in disease. Therefore, it has been classified as a Variant of Uncertain Significance.

Literature cited by the submitters: PubMed 17576681; PubMed 9536098.

NM_001378615.1(CC2D2A):c.541-3T>A

Genes: CC2D2A (coiled-coil and C2 domain containing 2A; plus strand), FBXL5 (F-box and leucine rich repeat protein 5; minus strand). Cytogenetic location: 4p15.32.
Variant type: single nucleotide variant.
Coding change: c.541-3T>A on transcript NM_001378615.1 (MANE Select); 3 bases into the intron before coding-DNA position 541, T replaced by A.
Molecular consequence: intron variant.
Genome position (GRCh38, 1-based): chr4:15,511,244, T>A. VCF-style: chr4-15511244-T-A. GRCh37 (hg19) VCF-style: chr4-15512867-T-A.
Other names: c.541-3T>A (NM_001080522.2); c.394-3T>A (NM_001378617.1).
Identifiers: ClinVar variation 2014404 (VCV002014404.4), dbSNP rs2474911900, ClinGen allele CA2580070848.
Genomic context (GRCh38, chr4:15,511,244, plus strand): 5'-ATTGTGCAGAGCGCATTACAGCTTATAAATGGGAAATTGCGATTGCTCCTTGCTTTTCGT[T>A]AGGTTCCACCTGGCTTCCCTTCTGCAGAAGAGGCCTATAACTTCTTTACTTTCAACTTTG-3'